The following is an entry in ClinVar:

NM_004329.3(BMPR1A):c.1466G>C (p.Ser489Thr)

Gene: BMPR1A (bone morphogenetic protein receptor type 1A; plus strand). Cytogenetic location: 10q23.2.
Variant type: single nucleotide variant.
Coding change: c.1466G>C on transcript NM_004329.3 (MANE Select); coding-DNA position 1466, G replaced by C.
Protein change: p.Ser489Thr; replaces serine 489 with threonine.
Molecular consequence: missense variant.
Genome position (GRCh38, 1-based): chr10:86,923,499, G>C. VCF-style: chr10-86923499-G-C. GRCh37 (hg19) VCF-style: chr10-88683256-G-C.
Other names: short protein forms S489T.
Identifiers: ClinVar variation 460488 (VCV000460488.22), dbSNP rs1554891617, ClinGen allele CA377463234.
Genomic context (GRCh38, chr10:86,923,499, plus strand): 5'-ATATGCGTGAGGTTGTGTGTGTCAAACGTTTGCGGCCAATTGTGTCTAATCGGTGGAACA[G>C]TGATGAAGTGAGTGGAACTCAGTCCCCTGAAGAAGTGATTCGTAAATGCCACCAAATATA-3'
Protein context (NP_004320.2, residues 479-499): LRPIVSNRWN[Ser489Thr]DECLRAVLKL

ClinVar aggregate classification (germline): Uncertain significance. Review status: criteria provided, multiple submitters, no conflicts (2 of 4 stars). 4 submissions from 4 submitters: Uncertain significance (4). Last evaluated 2024-04-10.

Conditions:
Juvenile polyposis syndrome (JPS). Identifiers: Orphanet 2929, MedGen C0345893, MONDO:0017380, OMIM 174900.
Hereditary cancer-predisposing syndrome. Also called: Hereditary neoplastic syndrome; Neoplastic Syndromes, Hereditary; Tumor predisposition; Hereditary Cancer Syndrome. Identifiers: Orphanet 140162, MedGen C0027672, MeSH D009386, MONDO:0015356.

Submissions (4):

Ambry Genetics
Classification: Uncertain significance for Hereditary cancer-predisposing syndrome. Last evaluated: 2024-04-10. Review status: criteria provided, single submitter. Criteria: Ambry Variant Classification Scheme 2023. Collection method: clinical testing. Allele origin: germline.
Comment: The p.S489T variant (also known as c.1466G>C), located in coding exon 10 of the BMPR1A gene, results from a G to C substitution at nucleotide position 1466. The serine at codon 489 is replaced by threonine, an amino acid with similar properties. This amino acid position is highly conserved in available vertebrate species. In addition, this alteration is predicted to be tolerated by in silico analysis. Since supporting evidence is limited at this time, the clinical significance of this alteration remains unclear.

Color Diagnostics, LLC DBA Color Health
Classification: Uncertain significance for Hereditary cancer-predisposing syndrome. Last evaluated: 2024-03-06. Review status: criteria provided, single submitter. Criteria: ACMG Guidelines, 2015. Collection method: clinical testing. Allele origin: germline.
Comment: This missense variant replaces serine with threonine at codon 489 of the BMPR1A protein. Computational prediction suggests that this variant may not impact protein structure and function (internally defined REVEL score threshold <= 0.5, PMID: 27666373). To our knowledge, functional studies have not been reported for this variant. This variant has not been reported in individuals affected with BMPR1A-related disorders in the literature. This variant has not been identified in the general population by the Genome Aggregation Database (gnomAD). The available evidence is insufficient to determine the role of this variant in disease conclusively. Therefore, this variant is classified as a Variant of Uncertain Significance.

All of Us Research Program, National Institutes of Health
Classification: Uncertain significance for Juvenile polyposis syndrome. Last evaluated: 2023-06-26. Review status: criteria provided, single submitter. Criteria: ACMG Guidelines, 2015. Collection method: clinical testing. Allele origin: germline. Inheritance: Autosomal dominant inheritance. Observed: 1 variant allele, 1 heterozygote.
Comment: This missense variant replaces serine with threonine at codon 489 of the BMPR1A protein. Computational prediction suggests that this variant may not impact protein structure and function (internally defined REVEL score threshold <= 0.5, PMID: 27666373). To our knowledge, functional studies have not been reported for this variant. This variant has not been reported in individuals affected with BMPR1A-related disorders in the literature. This variant has not been identified in the general population by the Genome Aggregation Database (gnomAD). The available evidence is insufficient to determine the role of this variant in disease conclusively. Therefore, this variant is classified as a Variant of Uncertain Significance.

This study involves interpretation of variants in research participants for the purpose of population health screening. Participant phenotype was not available at the time of variant classification. Additional details can be found in publication PMID: 35346344, PMCID: PMC8962531

Labcorp Genetics (formerly Invitae), Labcorp
Classification: Uncertain significance for Juvenile polyposis syndrome. Last evaluated: 2022-12-21. Review status: criteria provided, single submitter. Criteria: Invitae Variant Classification Sherloc (09022015). Collection method: clinical testing. Allele origin: germline.
Comment: Advanced modeling performed at Invitae incorporating data from internal and/or published experimental studies (Invitae) indicates that this missense variant is not expected to disrupt BMPR1A function. In summary, the available evidence is currently insufficient to determine the role of this variant in disease. Therefore, it has been classified as a Variant of Uncertain Significance. ClinVar contains an entry for this variant (Variation ID: 460488). This variant has not been reported in the literature in individuals affected with BMPR1A-related conditions. This variant is not present in population databases (gnomAD no frequency). This sequence change replaces serine, which is neutral and polar, with threonine, which is neutral and polar, at codon 489 of the BMPR1A protein (p.Ser489Thr).